The following is an entry in ClinVar:

NM_198253.3(TERT):c.332C>T (p.Pro111Leu)

Gene: TERT (telomerase reverse transcriptase; minus strand). Cytogenetic location: 5p15.33.
Variant type: single nucleotide variant.
Coding change: c.332C>T on transcript NM_198253.3 (MANE Select); coding-DNA position 332, C replaced by T.
Protein change: p.Pro111Leu; replaces proline 111 with leucine.
Molecular consequence: missense variant. On other transcripts: non-coding transcript variant (2).
Genome position (GRCh38, 1-based): chr5:1,294,554, G>A on the plus strand (C>T on the coding strand, the complement: TERT is on the minus strand). VCF-style: chr5-1294554-G-A. GRCh37 (hg19) VCF-style: chr5-1294669-G-A.
Other names: c.332C>T, p.Pro111Leu (NM_001193376.3); short protein forms P111L.
Identifiers: ClinVar variation 4865482 (VCV004865482.1).
Genomic context (GRCh38, chr5:1,294,554, plus strand): 5'-AGTGCGTCGGTCACCGTGTTGGGCAGGTAGCTGCGCACGCTGGTGGTGAAGGCCTCGGGG[G>A]GGCCCCCGCGGGCCCCGTCCAGCAGCGCGAAGCCGAAGGCCAGCACGTTCTTCGCGCCGC-3'
Protein context (NP_937983.2, residues 101-121): FALLDGARGG[Pro111Leu]PEAFTTSVRS

ClinVar aggregate classification (germline): Uncertain significance (1 of 4 stars; one submission).

Conditions:
Dyskeratosis congenita. Identifiers: Orphanet 1775, MedGen C0265965, MONDO:0015780.

Submission:

Ambry Genetics
Classification: Uncertain significance for Dyskeratosis congenita. Last evaluated: 2026-05-23. Review status: criteria provided, single submitter. Criteria: Ambry Variant Classification Scheme 2023. Collection method: clinical testing. Allele origin: germline.
Comment: The p.P111L variant (also known as c.332C>T), located in coding exon 2 of the TERT gene, results from a C to T substitution at nucleotide position 332. The proline at codon 111 is replaced by leucine, an amino acid with similar properties. This amino acid position is conserved. In addition, the in silico prediction for this alteration is inconclusive. Based on the available evidence, the clinical significance of this variant remains unclear.